The following is an entry in ClinVar:

NM_000548.5(TSC2):c.1711C>T (p.Leu571Phe)

Gene: TSC2 (TSC complex subunit 2; plus strand). Cytogenetic location: 16p13.3.
Variant type: single nucleotide variant.
Coding change: c.1711C>T on transcript NM_000548.5 (MANE Select); coding-DNA position 1711, C replaced by T.
Protein change: p.Leu571Phe; replaces leucine 571 with phenylalanine.
Molecular consequence: missense variant.
Genome position (GRCh38, 1-based): chr16:2,065,630, C>T. VCF-style: chr16-2065630-C-T. GRCh37 (hg19) VCF-style: chr16-2115631-C-T.
Other names: c.1711C>T, p.Leu571Phe (NM_001077183.3, NM_001114382.3, NM_001363528.2 and 3 more transcripts); c.1600C>T, p.Leu534Phe (NM_001318827.2); c.1564C>T, p.Leu522Phe (NM_001318829.2); c.1111C>T, p.Leu371Phe (NM_001318831.2); c.1744C>T, p.Leu582Phe (NM_001318832.2); short protein forms L371F, L571F, L582F, L522F, L534F.
Identifiers: ClinVar variation 650497 (VCV000650497.11), dbSNP rs1596317641, ClinGen allele CA394270718.

ClinVar aggregate classification (germline): Uncertain significance. Review status: criteria provided, multiple submitters, no conflicts (2 of 4 stars). 2 submissions from 2 submitters: Uncertain significance (2). Last evaluated 2021-08-30.

Conditions:
Tuberous sclerosis 2 (TSC2). Identifiers: Orphanet 805, MedGen C1860707, MONDO:0013199, OMIM 613254.
Hereditary cancer-predisposing syndrome. Also called: Hereditary Cancer Syndrome; Tumor predisposition; Neoplastic Syndromes, Hereditary; Hereditary neoplastic syndrome. Identifiers: Orphanet 140162, MedGen C0027672, MeSH D009386, MONDO:0015356.

Allele frequency attached by ClinVar (database versions not stated): TOPMed below 0.00001.
gnomAD v4.1: 2 of 1,613,550 alleles (0.00012%); highest among the groups gnomAD compares: Non-Finnish European, 0.00017%; no homozygotes.

Submissions (2):

Ambry Genetics
Classification: Uncertain significance for Hereditary cancer-predisposing syndrome. Last evaluated: 2021-08-30. Review status: criteria provided, single submitter. Criteria: Ambry Variant Classification Scheme 2023. Collection method: clinical testing. Allele origin: germline.
Comment: The p.L571F variant (also known as c.1711C>T), located in coding exon 15 of the TSC2 gene, results from a C to T substitution at nucleotide position 1711. The leucine at codon 571 is replaced by phenylalanine, an amino acid with highly similar properties. This amino acid position is highly conserved in available vertebrate species. In addition, the in silico prediction for this alteration is inconclusive. Since supporting evidence is limited at this time, the clinical significance of this alteration remains unclear.

Labcorp Genetics (formerly Invitae), Labcorp
Classification: Uncertain significance for Tuberous sclerosis 2. Last evaluated: 2018-10-07. Review status: criteria provided, single submitter. Criteria: Invitae Variant Classification Sherloc (09022015). Collection method: clinical testing. Allele origin: germline.
Comment: This sequence change replaces leucine with phenylalanine at codon 571 of the TSC2 protein (p.Leu571Phe). The leucine residue is highly conserved and there is a small physicochemical difference between leucine and phenylalanine. This variant is not present in population databases (ExAC no frequency). This variant has not been reported in the literature in individuals with TSC2-related disease. Algorithms developed to predict the effect of missense changes on protein structure and function are either unavailable or do not agree on the potential impact of this missense change (SIFT: "Tolerated"; PolyPhen-2: "Possibly Damaging"; Align-GVGD: "Class C0"). In summary, the available evidence is currently insufficient to determine the role of this variant in disease. Therefore, it has been classified as a Variant of Uncertain Significance.